The following is an entry in ClinVar:

ClinVar aggregate classification (germline): Benign/Likely benign. Review status: criteria provided, multiple submitters, no conflicts (2 of 4 stars). 3 submissions from 3 submitters: Benign (2); Likely benign (1). Last evaluated 2025-11-17.

Conditions:
Landau-Kleffner syndrome (FESD). Also called: EPILEPSY, FOCAL, WITH SPEECH DISORDER AND WITH OR WITHOUT MENTAL RETARDATION; APHASIA, ACQUIRED, WITH EPILEPSY. Identifiers: Orphanet 1945, Orphanet 725, Orphanet 98818, MedGen C0282512, MONDO:0009509, OMIM 245570.

Allele frequency attached by ClinVar (database versions not stated): TOPMed 0.00002; 1000 Genomes Project 0.00040; gnomAD 0.00001 and 0.00008; gnomAD exomes 0.00029 and 0.00015; 1000 Genomes Project 30x 0.00031; ExAC 0.00032.
gnomAD v4.1: 238 of 1,610,212 alleles (0.015%); highest among the groups gnomAD compares: South Asian, 0.22%; 4 homozygotes.

Submissions (3):

Labcorp Genetics (formerly Invitae), Labcorp
Classification: Benign for Landau-Kleffner syndrome. Last evaluated: 2025-11-17. Review status: criteria provided, single submitter. Criteria: Invitae Variant Classification Sherloc (09022015). Collection method: clinical testing. Allele origin: germline.

GeneDx
Classification: Likely benign. Last evaluated: 2021-01-29. Review status: criteria provided, single submitter. Criteria: GeneDx Variant Classification Process June 2021. Collection method: clinical testing. Allele origin: germline. Affected: yes.

Illumina Laboratory Services, Illumina
Classification: Benign for Landau-Kleffner syndrome. Last evaluated: 2018-01-13. Review status: criteria provided, single submitter. Criteria: ICSL Variant Classification Criteria 13 December 2019. Collection method: clinical testing. Allele origin: germline.
Comment: This variant was observed in the ICSL laboratory as part of a predisposition screen in an ostensibly healthy population. It had not been previously curated by ICSL or reported in the Human Gene Mutation Database (HGMD: prior to June 1st, 2018), and was therefore a candidate for classification through an automated scoring system. Utilizing variant allele frequency, disease prevalence and penetrance estimates, and inheritance mode, an automated score was calculated to assess if this variant is too frequent to cause the disease. Based on the score and internal cut-off values, a variant classified as benign is not then subjected to further curation. The score for this variant resulted in a classification of benign for this disease.

NM_001134407.3(GRIN2A):c.1329-9T>G

Gene: GRIN2A (glutamate ionotropic receptor NMDA type subunit 2A; minus strand). Cytogenetic location: 16p13.2.
Variant type: single nucleotide variant.
Coding change: c.1329-9T>G on transcript NM_001134407.3 (MANE Select); 9 bases into the intron before coding-DNA position 1329, T replaced by G.
Molecular consequence: intron variant.
Genome position (GRCh38, 1-based): chr16:9,841,113, A>C on the plus strand (T>G on the coding strand, the complement: GRIN2A is on the minus strand). VCF-style: chr16-9841113-A-C. GRCh37 (hg19) VCF-style: chr16-9934970-A-C.
Other names: c.1329-9T>G (NM_001134408.2, NM_000833.5).
Identifiers: ClinVar variation 383617 (VCV000383617.13), dbSNP rs541442732, ClinGen allele CA7896740.